The following is an entry in ClinVar:

NM_005228.5(EGFR):c.1621C>T (p.Leu541Phe)

Gene: EGFR (epidermal growth factor receptor; plus strand). Cytogenetic location: 7p11.2.
Variant type: single nucleotide variant.
Coding change: c.1621C>T on transcript NM_005228.5 (MANE Select); coding-DNA position 1621, C replaced by T.
Protein change: p.Leu541Phe; replaces leucine 541 with phenylalanine.
Molecular consequence: missense variant.
Genome position (GRCh38, 1-based): chr7:55,161,621, C>T. VCF-style: chr7-55161621-C-T. GRCh37 (hg19) VCF-style: chr7-55229314-C-T.
Other names: c.1486C>T, p.Leu496Phe (NM_001346897.2, NM_001346899.2); c.1621C>T, p.Leu541Phe (NM_001346898.2, NM_201282.2, NM_201284.2); c.1462C>T, p.Leu488Phe (NM_001346900.2); c.820C>T, p.Leu274Phe (NM_001346941.2); c.1621C>T (NM_005228.3); short protein forms L274F, L541F, L488F, L496F.
Identifiers: ClinVar variation 1405952 (VCV001405952.9), dbSNP rs1208487495, ClinGen allele CA367580026.

ClinVar aggregate classification (germline): Uncertain significance. Review status: criteria provided, multiple submitters, no conflicts (2 of 4 stars). 2 submissions from 2 submitters: Uncertain significance (2). Last evaluated 2025-11-11.

Conditions:
EGFR-related lung cancer (EGFR). Identifiers: MedGen CN130014.
Hereditary cancer-predisposing syndrome. Also called: Hereditary neoplastic syndrome; Hereditary Cancer Syndrome; Neoplastic Syndromes, Hereditary; Tumor predisposition. Identifiers: Orphanet 140162, MedGen C0027672, MeSH D009386, MONDO:0015356.

Allele frequency attached by ClinVar (database versions not stated): gnomAD exomes below 0.00001 and 0.00001; gnomAD 0.00001.

Submissions (2):

Ambry Genetics
Classification: Uncertain significance for Hereditary cancer-predisposing syndrome. Last evaluated: 2025-11-11. Review status: criteria provided, single submitter. Criteria: Ambry Variant Classification Scheme 2023. Collection method: clinical testing. Allele origin: germline.
Comment: The p.L541F variant (also known as c.1621C>T), located in coding exon 13 of the EGFR gene, results from a C to T substitution at nucleotide position 1621. The leucine at codon 541 is replaced by phenylalanine, an amino acid with highly similar properties. This amino acid position is conserved. In addition, this alteration is predicted to be tolerated by in silico analysis. Based on the available evidence, the clinical significance of this variant remains unclear.

Labcorp Genetics (formerly Invitae), Labcorp
Classification: Uncertain significance for EGFR-related lung cancer. Last evaluated: 2024-05-08. Review status: criteria provided, single submitter. Criteria: Invitae Variant Classification Sherloc (09022015). Collection method: clinical testing. Allele origin: germline.
Comment: This sequence change replaces leucine, which is neutral and non-polar, with phenylalanine, which is neutral and non-polar, at codon 541 of the EGFR protein (p.Leu541Phe). This variant is present in population databases (no rsID available, gnomAD 0.02%). This variant has not been reported in the literature in individuals affected with EGFR-related conditions. ClinVar contains an entry for this variant (Variation ID: 1405952). An algorithm developed to predict the effect of missense changes on protein structure and function (PolyPhen-2) suggests that this variant is likely to be tolerated. In summary, the available evidence is currently insufficient to determine the role of this variant in disease. Therefore, it has been classified as a Variant of Uncertain Significance.